The following is an entry in ClinVar:

NM_000179.3(MSH6):c.4002-1G>C

Gene: MSH6 (mutS homolog 6; plus strand). Cytogenetic location: 2p16.3.
Variant type: single nucleotide variant.
Coding change: c.4002-1G>C on transcript NM_000179.3 (MANE Select); the canonical splice acceptor site of the intron before coding-DNA position 4002, G replaced by C.
Molecular consequence: splice acceptor variant. On other transcripts: intron variant (3).
Genome position (GRCh38, 1-based): chr2:47,806,778, G>C. VCF-style: chr2-47806778-G-C. GRCh37 (hg19) VCF-style: chr2-48033917-G-C.
Other names: c.4002-1G>C (NM_001406809.1, NM_001406796.1); c.3096-1G>C (NM_001406811.1, NM_001406814.1, NM_001281493.2 and 6 more transcripts); c.3705-1G>C (NM_001406805.1, NM_001406797.1, NM_001406818.1 and 8 more transcripts); c.4098-1G>C (NM_001406795.1); c.3898-1G>C (NM_001406802.1); c.4008-1G>C (NM_001406813.1); c.3477-1G>C (NM_001406807.1, NM_001406799.1, NM_001406806.1); c.4002-6G>C (NM_001406808.1); and 11 more.
Identifiers: ClinVar variation 3913777 (VCV003913777.1).
Genomic context (GRCh38, chr2:47,806,778, plus strand): 5'-GAAGGGATGATGCACTATGAAAAAACAAAAAAACTTTTTTTTTTTTTTTTTTAATTTTAA[G>C]GGAAGTTTGCCTGGCTAGTGAAAGGTCAACTGTAGATGCTGAAGCTGTCCATAAATTGCT-3'

ClinVar aggregate classification (germline): Uncertain significance (1 of 4 stars; one submission).

Conditions:
Hereditary cancer-predisposing syndrome. Also called: Hereditary Cancer Syndrome; Hereditary neoplastic syndrome; Neoplastic Syndromes, Hereditary; Tumor predisposition. Identifiers: Orphanet 140162, MedGen C0027672, MeSH D009386, MONDO:0015356.

Submission:

Ambry Genetics
Classification: Uncertain significance for Hereditary cancer-predisposing syndrome. Last evaluated: 2025-06-05. Review status: criteria provided, single submitter. Criteria: Ambry Variant Classification Scheme 2023. Collection method: clinical testing. Allele origin: germline.
Comment: The c.4002-1G>C intronic variant results from a G to C substitution one nucleotide upstream from coding exon 10 of the MSH6 gene. This alteration occurs at the 3' terminus of the MSH6 gene, is not expected to trigger nonsense-mediated mRNA decay, and only impacts the last 1.9% of the protein. The exact functional effect of this alteration is unknown. This nucleotide position is highly conserved in available vertebrate species. In silico splice site analysis predicts that this alteration will weaken the native splice acceptor site. Based on the available evidence, the clinical significance of this variant remains unclear.